The following is an entry in ClinVar:

NM_182760.4(SUMF1):c.362T>C (p.Ile121Thr)

Gene: SUMF1 (sulfatase modifying factor 1; minus strand). Cytogenetic location: 3p26.1.
Variant type: single nucleotide variant.
Coding change: c.362T>C on transcript NM_182760.4 (MANE Select); coding-DNA position 362, T replaced by C.
Protein change: p.Ile121Thr; replaces isoleucine 121 with threonine.
Molecular consequence: missense variant.
Genome position (GRCh38, 1-based): chr3:4,452,958, A>G on the plus strand (T>C on the coding strand, the complement: SUMF1 is on the minus strand). VCF-style: chr3-4452958-A-G. GRCh37 (hg19) VCF-style: chr3-4494642-A-G.
Other names: c.362T>C, p.Ile121Thr (NM_001164674.2, NM_001164675.2); short protein forms I121T.
Identifiers: ClinVar variation 864465 (VCV000864465.4), dbSNP rs1703023626, ClinGen allele CA351793257.

ClinVar aggregate classification (germline): Uncertain significance (1 of 4 stars; one submission).

Conditions:
Multiple sulfatase deficiency (MSD). Also called: Mucosulfatidosis; Multiple Sulfatase Deficiency Disease; Sulfatidosis, Juvenile, Austin Type. Identifiers: Orphanet 585, MedGen C0268263, MONDO:0010088, OMIM 272200.

Allele frequency attached by ClinVar (database versions not stated): gnomAD exomes below 0.00001; TOPMed below 0.00001.
gnomAD v4.1: 2 of 1,614,210 alleles (0.00012%); highest among the groups gnomAD compares: African/African-American, 0.0013%; no homozygotes.

Submission:

Labcorp Genetics (formerly Invitae), Labcorp
Classification: Uncertain significance for Multiple sulfatase deficiency. Last evaluated: 2022-01-15. Review status: criteria provided, single submitter. Criteria: Invitae Variant Classification Sherloc (09022015). Collection method: clinical testing. Allele origin: germline.
Comment: This sequence change replaces isoleucine, which is neutral and non-polar, with threonine, which is neutral and polar, at codon 121 of the SUMF1 protein (p.Ile121Thr). This variant is not present in population databases (gnomAD no frequency). This variant has not been reported in the literature in individuals affected with SUMF1-related conditions. ClinVar contains an entry for this variant (Variation ID: 864465). Algorithms developed to predict the effect of missense changes on protein structure and function are either unavailable or do not agree on the potential impact of this missense change (SIFT: "Deleterious"; PolyPhen-2: "Probably Damaging"; Align-GVGD: "Class C0"). In summary, the available evidence is currently insufficient to determine the role of this variant in disease. Therefore, it has been classified as a Variant of Uncertain Significance.